The following is an entry in ClinVar:

NM_000342.4(SLC4A1):c.1878T>C (p.Asp626=)

Gene: SLC4A1 (solute carrier family 4 member 1 (Diego blood group); minus strand). Cytogenetic location: 17q21.31.
Variant type: single nucleotide variant.
Coding change: c.1878T>C on transcript NM_000342.4 (MANE Select); coding-DNA position 1878, T replaced by C.
Protein change: p.Asp626=; no amino-acid change (aspartic acid 626 retained).
Molecular consequence: synonymous variant.
Genome position (GRCh38, 1-based): chr17:44,255,219, A>G on the plus strand (T>C on the coding strand, the complement: SLC4A1 is on the minus strand). VCF-style: chr17-44255219-A-G. GRCh37 (hg19) VCF-style: chr17-42332587-A-G.
Other names: p.Asp626=.
Identifiers: ClinVar variation 323506 (VCV000323506.32), dbSNP rs5020, ClinGen allele CA8600184.
Genomic context (GRCh38, chr17:44,255,219, plus strand): 5'-TGAGGACCTGGGGGGTATCATGGTCTGAGGGCTGGGAGGAGGGGTCACCTGGGTGTAGGT[A>G]TCCTGAATGAAGAAATCCACCAGGACCATGATCAGGATGGAGATGGGGACCCCGAAGTCC-3'
Protein context (NP_000333.1, residues 616-636): IMVLVDFFIQ[Asp626=]TYTQKLSVPD

ClinVar aggregate classification (germline): Benign/Likely benign. Review status: criteria provided, multiple submitters, no conflicts (2 of 4 stars). 8 submissions from 6 submitters: Benign (6); Likely benign (2). Last evaluated 2026-02-03.

Conditions:
Hereditary spherocytosis type 4. Also called: SLC4A1-Related Spherocytosis. Identifiers: Orphanet 822, MedGen C2675212, MONDO:0012981, OMIM 612653.
Autosomal dominant distal renal tubular acidosis (DRTA1). Also called: RTA, CLASSIC TYPE; RTA, DISTAL TYPE, AUTOSOMAL DOMINANT; RTA, GRADIENT TYPE; Renal Tubular Acidosis, Type I; RENAL TUBULAR ACIDOSIS, DISTAL, 1. Identifiers: Orphanet 93608, MedGen CN280572, MONDO:0008368, OMIM 179800.
Hemolytic anemia. Identifiers: MedGen C0002878, MONDO:0003664, HP:0001878.

Allele frequency attached by ClinVar (database versions not stated): gnomAD exomes 0.00131 and 0.00315; ExAC 0.00683; gnomAD 0.01250 and 0.01332; ESP Exome Variant Server 0.01287; TOPMed 0.01381; 1000 Genomes Project 0.01617; 1000 Genomes Project 30x 0.01811.
gnomAD v4.1: 3,808 of 1,555,714 alleles (0.24%); highest among the groups gnomAD compares: African/African-American, 4.3%; 62 homozygotes.

Submissions (8):

Labcorp Genetics (formerly Invitae), Labcorp
Classification: Benign. Last evaluated: 2026-02-03. Review status: criteria provided, single submitter. Criteria: Invitae Variant Classification Sherloc (09022015). Collection method: clinical testing. Allele origin: germline.

ARUP Laboratories, Molecular Genetics and Genomics, ARUP Laboratories
Classification: Benign. Last evaluated: 2025-06-06. Review status: criteria provided, single submitter. Criteria: ARUP Molecular Germline Variant Investigation Process 2024. Collection method: clinical testing. Allele origin: germline.

GeneDx
Classification: Likely benign. Last evaluated: 2021-04-02. Review status: criteria provided, single submitter. Criteria: GeneDx Variant Classification Process June 2021. Collection method: clinical testing. Allele origin: germline. Affected: yes.

Illumina Laboratory Services, Illumina
Classification: Benign for Hereditary spherocytosis type 4. Last evaluated: 2018-01-13. Review status: criteria provided, single submitter. Criteria: ICSL Variant Classification Criteria 13 December 2019. Collection method: clinical testing. Allele origin: germline.
Comment: This variant was observed in the ICSL laboratory as part of a predisposition screen in an ostensibly healthy population. It had not been previously curated by ICSL or reported in the Human Gene Mutation Database (HGMD: prior to June 1st, 2018), and was therefore a candidate for classification through an automated scoring system. Utilizing variant allele frequency, disease prevalence and penetrance estimates, and inheritance mode, an automated score was calculated to assess if this variant is too frequent to cause the disease. Based on the score and internal cut-off values, a variant classified as benign is not then subjected to further curation. The score for this variant resulted in a classification of benign for this disease.

Illumina Laboratory Services, Illumina
Classification: Benign for Autosomal dominant distal renal tubular acidosis. Last evaluated: 2018-01-13. Review status: criteria provided, single submitter. Criteria: ICSL Variant Classification Criteria 13 December 2019. Collection method: clinical testing. Allele origin: germline.
Comment: the same text as in the submission from Illumina Laboratory Services, Illumina above.

Illumina Laboratory Services, Illumina
Classification: Benign for Hemolytic anemia. Last evaluated: 2018-01-13. Review status: criteria provided, single submitter. Criteria: ICSL Variant Classification Criteria 13 December 2019. Collection method: clinical testing. Allele origin: germline.
Comment: the same text as in the submission from Illumina Laboratory Services, Illumina above.

Mayo Clinic Laboratories, Mayo Clinic
Classification: Benign. Last evaluated: 2016-08-25. Review status: criteria provided, single submitter. Criteria: ACMG Guidelines, 2015. Collection method: clinical testing. Allele origin: germline. Observed: 44 variant alleles.

Breakthrough Genomics
Classification: Likely benign. Review status: criteria provided, single submitter. Criteria: ACMG Guidelines, 2015. Collection method: not provided. Allele origin: germline. Inheritance: Autosomal recessive inheritance. Affected: yes.